The following is an entry in ClinVar:

ClinVar aggregate classification (germline): Uncertain significance (1 of 4 stars; one submission).

Submission:

GeneDx
Classification: Uncertain significance. Last evaluated: 2023-05-05. Review status: criteria provided, single submitter. Criteria: GeneDx Variant Classification Process June 2021. Collection method: clinical testing. Allele origin: germline. Affected: yes.
Comment: Not observed at significant frequency in large population cohorts (gnomAD); In silico analysis supports that this missense variant has a deleterious effect on protein structure/function; Has not been previously published as pathogenic or benign to our knowledge

NM_002585.4(PBX1):c.451A>G (p.Arg151Gly)

Gene: PBX1 (PBX homeobox 1; plus strand). Cytogenetic location: 1q23.3.
Variant type: single nucleotide variant.
Coding change: c.451A>G on transcript NM_002585.4 (MANE Select); coding-DNA position 451, A replaced by G.
Protein change: p.Arg151Gly; replaces arginine 151 with glycine.
Molecular consequence: missense variant.
Genome position (GRCh38, 1-based): chr1:164,792,679, A>G. VCF-style: chr1-164792679-A-G. GRCh37 (hg19) VCF-style: chr1-164761916-A-G.
Other names: c.451A>G, p.Arg151Gly (NM_001204961.2, NM_001204963.2, NM_001353131.2); c.202A>G, p.Arg68Gly (NM_001353130.1); short protein forms R151G, R68G.
Identifiers: ClinVar variation 3343259 (VCV003343259.1).